The following is an entry in ClinVar:

ClinVar aggregate classification (germline): Uncertain significance (1 of 4 stars; one submission).

Submission:

Labcorp Genetics (formerly Invitae), Labcorp
Classification: Uncertain significance. Last evaluated: 2023-08-16. Review status: criteria provided, single submitter. Criteria: Invitae Variant Classification Sherloc (09022015). Collection method: clinical testing. Allele origin: germline.
Comment: ClinVar contains an entry for this variant (Variation ID: 1475147). This variant has not been reported in the literature in individuals affected with ATOH7-related conditions. This variant is not present in population databases (gnomAD no frequency). This sequence change replaces methionine, which is neutral and non-polar, with valine, which is neutral and non-polar, at codon 84 of the ATOH7 protein (p.Met84Val). In summary, the available evidence is currently insufficient to determine the role of this variant in disease. Therefore, it has been classified as a Variant of Uncertain Significance. An algorithm developed to predict the effect of missense changes on protein structure and function (PolyPhen-2) suggests that this variant is likely to be disruptive.

NM_145178.4(ATOH7):c.250A>G (p.Met84Val)

Gene: ATOH7 (atonal bHLH transcription factor 7; minus strand). Cytogenetic location: 10q21.3.
Variant type: single nucleotide variant.
Coding change: c.250A>G on transcript NM_145178.4 (MANE Select); coding-DNA position 250, A replaced by G.
Protein change: p.Met84Val; replaces methionine 84 with valine.
Molecular consequence: missense variant.
Genome position (GRCh38, 1-based): chr10:68,231,428, T>C on the plus strand (A>G on the coding strand, the complement: ATOH7 is on the minus strand). VCF-style: chr10-68231428-T-C. GRCh37 (hg19) VCF-style: chr10-69991185-T-C.
Other names: short protein forms M84V.
Identifiers: ClinVar variation 1475147 (VCV001475147.6), dbSNP rs1198341225, ClinGen allele CA376835888.